The following is an entry in ClinVar:

NM_004525.3(LRP2):c.1064G>A (p.Trp355Ter)

Gene: LRP2 (LDL receptor related protein 2; minus strand). Cytogenetic location: 2q31.1.
Variant type: single nucleotide variant.
Coding change: c.1064G>A on transcript NM_004525.3 (MANE Select); coding-DNA position 1064, G replaced by A.
Protein change: p.Trp355Ter; replaces tryptophan 355 with a stop codon.
Molecular consequence: nonsense.
Genome position (GRCh38, 1-based): chr2:169,282,980, C>T on the plus strand (G>A on the coding strand, the complement: LRP2 is on the minus strand). VCF-style: chr2-169282980-C-T. GRCh37 (hg19) VCF-style: chr2-170139490-C-T.
Other names: short protein forms W355*.
Identifiers: ClinVar variation 5013599 (VCV005013599.1).

ClinVar aggregate classification (germline): Pathogenic (1 of 4 stars; one submission).

Conditions:
Donnai-Barrow syndrome. Also called: DBS/FOAR SYNDROME; FACIOOCULOACOUSTICORENAL SYNDROME. Identifiers: Orphanet 2143, MedGen C1857277, MONDO:0009104, OMIM 222448.

Submission:

Myriad Genetics, Inc.
Classification: Pathogenic for Donnai-Barrow syndrome. Last evaluated: 2024-10-01. Review status: criteria provided, single submitter. Criteria: Myriad Autosomal Dominant, Autosomal Recessive and X-Linked Classification Criteria (2023). Collection method: clinical testing. Allele origin: unknown.
Comment: NM_004525.2(LRP2):c.1064G>A(W355*) is expected to be pathogenic in the context of Donnai-Barrow syndrome. This variant is predicted to lead to an abnormal or absent protein product due to the creation of a premature termination codon in LRP2, a gene where loss-of-function variants are known to be pathogenic. Please note: this variant was assessed in the context of healthy population screening.